The following is an entry in ClinVar:

ClinVar aggregate classification (germline): Conflicting classifications of pathogenicity. Review status: criteria provided, conflicting classifications (1 of 4 stars). 4 submissions from 4 submitters: Pathogenic (1); Uncertain significance (3). Last evaluated 2026-01-15.

Conditions:
Hypertrophic cardiomyopathy 20. Identifiers: MedGen C3151267, MONDO:0013477, OMIM 613876.
Dilated cardiomyopathy 1CC (CMD1CC). Identifiers: Orphanet 154, MedGen C2751084, MONDO:0013147, OMIM 613122.
Cardiovascular phenotype. Identifiers: MedGen CN230736.

Allele frequency attached by ClinVar (database versions not stated): TOPMed 0.00001; ExAC 0.00002; 1000 Genomes Project 0.00020; 1000 Genomes Project 30x 0.00031; gnomAD 0.00001; gnomAD exomes 0.00001.
gnomAD v4.1: 4 of 1,613,318 alleles (0.00025%); highest among the groups gnomAD compares: African/African-American, 0.0053%; no homozygotes.

Submissions (4):

Labcorp Genetics (formerly Invitae), Labcorp
Classification: Pathogenic for Dilated cardiomyopathy 1CC; Hypertrophic cardiomyopathy 20. Last evaluated: 2026-01-15. Review status: criteria provided, single submitter. Criteria: Invitae Variant Classification Sherloc (09022015). Collection method: clinical testing. Allele origin: germline.
Comment: This sequence change creates a premature translational stop signal (p.Glu331*) in the NEXN gene. It is expected to result in an absent or disrupted protein product. Loss-of-function variants in NEXN are known to be pathogenic (PMID: 19881492, 32058062, 32814711, 32870709, 33949776, 38059363, 40680702). This variant is present in population databases (rs533331740, gnomAD 0.01%). This variant has not been reported in the literature in individuals affected with NEXN-related conditions. ClinVar contains an entry for this variant (Variation ID: 1032442). For these reasons, this variant has been classified as Pathogenic.

Ambry Genetics
Classification: Uncertain significance for Cardiovascular phenotype. Last evaluated: 2024-09-30. Review status: criteria provided, single submitter. Criteria: Ambry Variant Classification Scheme 2023. Collection method: clinical testing. Allele origin: germline.
Comment: The p.E331* variant (also known as c.991G>T), located in coding exon 8 of the NEXN gene, results from a G to T substitution at nucleotide position 991. This changes the amino acid from a glutamic acid to a stop codon within coding exon 8. This alteration is expected to result in loss of function by premature protein truncation or nonsense-mediated mRNA decay. Although biallelic loss of function of NEXN has been associated with autosomal recessive cardiomyopathy, haploinsufficiency of NEXN has not been established as a mechanism of disease for autosomal dominant cardiomyopathy. Based on the supporting evidence, this variant is expected to be causative of autosomal recessive NEXN-related cardiomyopathy when present along with a second pathogenic variant on the other allele; however, its clinical significance for autosomal dominant NEXN-related cardiomyopathy is unclear.

AiLife Diagnostics
Classification: Uncertain significance. Last evaluated: 2022-02-05. Review status: criteria provided, single submitter. Criteria: ACMG Guidelines, 2015. Collection method: clinical testing. Allele origin: germline. Affected: yes. Observed: 1 variant allele.

Baylor Genetics
Classification: Uncertain significance for Hypertrophic cardiomyopathy 20. Last evaluated: 2018-08-10. Review status: criteria provided, single submitter. Criteria: ACMG Guidelines, 2015. Collection method: clinical testing. Allele origin: maternal. Affected: yes.
Comment: This variant was determined to be of uncertain significance according to ACMG Guidelines, 2015 [PMID:25741868].

Literature cited by the submitters: PubMed 19881492 (cited by Labcorp Genetics (formerly Invitae), Labcorp); PubMed 32058062 (cited by Labcorp Genetics (formerly Invitae), Labcorp); PubMed 32814711 (cited by Labcorp Genetics (formerly Invitae), Labcorp); PubMed 32870709 (cited by Labcorp Genetics (formerly Invitae), Labcorp); PubMed 33949776 (cited by Labcorp Genetics (formerly Invitae), Labcorp); PubMed 38059363 (cited by Labcorp Genetics (formerly Invitae), Labcorp); PubMed 40680702 (cited by Labcorp Genetics (formerly Invitae), Labcorp).

NM_144573.4(NEXN):c.991G>T (p.Glu331Ter)

Gene: NEXN (nexilin F-actin binding protein; plus strand). Cytogenetic location: 1p31.1.
Variant type: single nucleotide variant.
Coding change: c.991G>T on transcript NM_144573.4 (MANE Select); coding-DNA position 991, G replaced by T.
Protein change: p.Glu331Ter; replaces glutamic acid 331 with a stop codon.
Molecular consequence: nonsense.
Genome position (GRCh38, 1-based): chr1:77,929,442, G>T. VCF-style: chr1-77929442-G-T. GRCh37 (hg19) VCF-style: chr1-78395127-G-T.
Other names: c.799G>T, p.Glu267Ter (NM_001172309.2); short protein forms E267*, E331*.
Identifiers: ClinVar variation 1032442 (VCV001032442.8), dbSNP rs533331740, ClinGen allele CA918786.